The following is an entry in ClinVar:

NM_031935.3(HMCN1):c.4844C>T (p.Thr1615Ile)

Gene: HMCN1 (hemicentin 1; plus strand). Cytogenetic location: 1q31.1.
Variant type: single nucleotide variant.
Coding change: c.4844C>T on transcript NM_031935.3 (MANE Select); coding-DNA position 4844, C replaced by T.
Protein change: p.Thr1615Ile; replaces threonine 1615 with isoleucine.
Molecular consequence: missense variant.
Genome position (GRCh38, 1-based): chr1:186,015,372, C>T. VCF-style: chr1-186015372-C-T. GRCh37 (hg19) VCF-style: chr1-185984504-C-T.
Other names: c.4844C>T (NM_031935.2); short protein forms T1615I.
Identifiers: ClinVar variation 2144075 (VCV002144075.6), dbSNP rs374291671, ClinGen allele CA1292111.

ClinVar aggregate classification (germline): Uncertain significance. Review status: criteria provided, multiple submitters, no conflicts (2 of 4 stars). 3 submissions from 3 submitters: Uncertain significance (3). Last evaluated 2024-10-07.

Conditions:
Age related macular degeneration 1 (ARMD1). Also called: MACULOPATHY, AGE-RELATED, 1. Identifiers: MedGen C1864205, MONDO:0011285, OMIM 603075.

Allele frequency attached by ClinVar (database versions not stated): gnomAD exomes below 0.00001; ExAC 0.00001; gnomAD 0.00001; TOPMed 0.00001; ESP Exome Variant Server 0.00008.
gnomAD v4.1: 7 of 1,613,546 alleles (0.00043%); highest among the groups gnomAD compares: Non-Finnish European, 0.00059%; no homozygotes.

Submissions (3):

Labcorp Genetics (formerly Invitae), Labcorp
Classification: Uncertain significance. Last evaluated: 2024-10-07. Review status: criteria provided, single submitter. Criteria: Invitae Variant Classification Sherloc (09022015). Collection method: clinical testing. Allele origin: germline.
Comment: This sequence change replaces threonine, which is neutral and polar, with isoleucine, which is neutral and non-polar, at codon 1615 of the HMCN1 protein (p.Thr1615Ile). This variant is present in population databases (rs374291671, gnomAD 0.0009%). This variant has not been reported in the literature in individuals affected with HMCN1-related conditions. ClinVar contains an entry for this variant (Variation ID: 2144075). An algorithm developed to predict the effect of missense changes on protein structure and function outputs the following: PolyPhen-2: "Benign". The isoleucine amino acid residue is found in multiple mammalian species, which suggests that this missense change does not adversely affect protein function. In summary, the available evidence is currently insufficient to determine the role of this variant in disease. Therefore, it has been classified as a Variant of Uncertain Significance.

Genome-Nilou Lab
Classification: Uncertain significance for Age related macular degeneration 1. Last evaluated: 2023-04-11. Review status: criteria provided, single submitter. Criteria: ACMG Guidelines, 2015. Collection method: clinical testing. Allele origin: germline. Affected: no.

Ambry Genetics
Classification: Uncertain significance. Last evaluated: 2022-11-18. Review status: criteria provided, single submitter. Criteria: Ambry Variant Classification Scheme 2023. Collection method: clinical testing. Allele origin: germline.